The following is an entry in ClinVar:

ClinVar aggregate classification (germline): Pathogenic (1 of 4 stars; one submission).

Submission:

Labcorp Genetics (formerly Invitae), Labcorp
Classification: Pathogenic. Last evaluated: 2023-11-28. Review status: criteria provided, single submitter. Criteria: Invitae Variant Classification Sherloc (09022015). Collection method: clinical testing. Allele origin: unknown.
Comment: This variant is a gross deletion of the genomic region encompassing exon(s) 6 of the HPS3 gene. This deletion is out-of-frame, and is expected to create a premature termination codon and result in an absent or disrupted protein product. Loss-of-function variants in HPS3 are known to be pathogenic (PMID: 11590544). This variant has not been reported in the literature in individuals affected with HPS3-related conditions. For these reasons, this variant has been classified as Pathogenic.

Literature cited by the submitters: PubMed 11590544.

NC_000003.11:g.(?_148868366)_(148868487_?)del

Gene: HPS3 (HPS3 biogenesis of lysosomal organelles complex 2 subunit 1; plus strand). Cytogenetic location: 3q24.
Variant type: Deletion.
Identifiers: ClinVar variation 3247045 (VCV003247045.1).